The following is an entry in ClinVar:

NM_001378615.1(CC2D2A):c.3374A>G (p.Asn1125Ser)

Genes: CC2D2A (coiled-coil and C2 domain containing 2A; plus strand), FBXL5 (F-box and leucine rich repeat protein 5; minus strand). Cytogenetic location: 4p15.32.
Variant type: single nucleotide variant.
Coding change: c.3374A>G on transcript NM_001378615.1 (MANE Select); coding-DNA position 3374, A replaced by G.
Protein change: p.Asn1125Ser; replaces asparagine 1125 with serine.
Molecular consequence: missense variant.
Genome position (GRCh38, 1-based): chr4:15,567,762, A>G. VCF-style: chr4-15567762-A-G. GRCh37 (hg19) VCF-style: chr4-15569385-A-G.
Other names: c.3374A>G, p.Asn1125Ser (NM_001080522.2); c.3227A>G, p.Asn1076Ser (NM_001378617.1); short protein forms N1076S, N1125S.
Identifiers: ClinVar variation 1419708 (VCV001419708.3), dbSNP rs746358327, ClinGen allele CA2864150.
Genomic context (GRCh38, chr4:15,567,762, plus strand): 5'-TCTCTTTTCAACGAACAGTTTGCCATACGACTACGGCTGAAGGACCAAACCCTAGCTGGA[A>G]TGAAGAACTAGAACTTCCATTTAGGTAAGCATATTTTCCTCTTTAAAGAACTATAGGACA-3'
Protein context (NP_001365544.1, residues 1115-1135): TTAEGPNPSW[Asn1125Ser]EELELPFRAP

ClinVar aggregate classification (germline): Uncertain significance (1 of 4 stars; one submission).

Conditions:
Joubert syndrome. Also called: JOUBERT-BOLTSHAUSER SYNDROME; Familial aplasia of the vermis. Identifiers: Orphanet 475, MedGen C5979921, MONDO:0018772.
Meckel-Gruber syndrome. Also called: DYSENCEPHALIA SPLANCHNOCYSTICA; GRUBER SYNDROME; Dysencephalia splachnocystica. Identifiers: Orphanet 564, MedGen C0265215, MONDO:0018921.

Allele frequency attached by ClinVar (database versions not stated): gnomAD exomes 0.00002 and 0.00001; gnomAD 0.00001; ExAC 0.00002.
gnomAD v4.1: 18 of 1,596,382 alleles (0.0011%); highest among the groups gnomAD compares: South Asian, 0.02%; no homozygotes.

Submission:

Labcorp Genetics (formerly Invitae), Labcorp
Classification: Uncertain significance for Joubert syndrome; Meckel-Gruber syndrome. Last evaluated: 2022-04-19. Review status: criteria provided, single submitter. Criteria: Invitae Variant Classification Sherloc (09022015). Collection method: clinical testing. Allele origin: germline.
Comment: This sequence change replaces asparagine, which is neutral and polar, with serine, which is neutral and polar, at codon 1125 of the CC2D2A protein (p.Asn1125Ser). This variant is present in population databases (rs746358327, gnomAD 0.02%). This variant has not been reported in the literature in individuals affected with CC2D2A-related conditions. Algorithms developed to predict the effect of missense changes on protein structure and function are either unavailable or do not agree on the potential impact of this missense change (SIFT: "Deleterious"; PolyPhen-2: "Possibly Damaging"; Align-GVGD: "Class C0"). In summary, the available evidence is currently insufficient to determine the role of this variant in disease. Therefore, it has been classified as a Variant of Uncertain Significance.